The following is an entry in ClinVar:

NM_005732.4(RAD50):c.3764G>T (p.Ser1255Ile)

Genes: RAD50 (RAD50 double strand break repair protein; plus strand), TH2-LCR (Th2 cytokine locus control region; plus strand), TH2LCRR (T helper type 2 locus control region associated RNA; minus strand). Cytogenetic location: 5q31.1.
Variant type: single nucleotide variant.
Coding change: c.3764G>T on transcript NM_005732.4 (MANE Select); coding-DNA position 3764, G replaced by T.
Protein change: p.Ser1255Ile; replaces serine 1255 with isoleucine.
Molecular consequence: missense variant.
Genome position (GRCh38, 1-based): chr5:132,642,189, G>T. VCF-style: chr5-132642189-G-T. GRCh37 (hg19) VCF-style: chr5-131977881-G-T.
Other names: short protein forms S1255I.
Identifiers: ClinVar variation 662167 (VCV000662167.10), dbSNP rs1202026618, ClinGen allele CA360935609.

ClinVar aggregate classification (germline): Uncertain significance. Review status: criteria provided, multiple submitters, no conflicts (2 of 4 stars). 2 submissions from 2 submitters: Uncertain significance (2). Last evaluated 2024-04-05.

Conditions:
Hereditary cancer-predisposing syndrome. Also called: Neoplastic Syndromes, Hereditary; Tumor predisposition; Hereditary neoplastic syndrome; Hereditary Cancer Syndrome. Identifiers: Orphanet 140162, MedGen C0027672, MeSH D009386, MONDO:0015356.

Submissions (2):

Labcorp Genetics (formerly Invitae), Labcorp
Classification: Uncertain significance for Hereditary cancer-predisposing syndrome. Last evaluated: 2024-04-05. Review status: criteria provided, single submitter. Criteria: Invitae Variant Classification Sherloc (09022015). Collection method: clinical testing. Allele origin: germline.
Comment: This sequence change replaces serine, which is neutral and polar, with isoleucine, which is neutral and non-polar, at codon 1255 of the RAD50 protein (p.Ser1255Ile). This variant is not present in population databases (gnomAD no frequency). This variant has not been reported in the literature in individuals affected with RAD50-related conditions. ClinVar contains an entry for this variant (Variation ID: 662167). Advanced modeling of protein sequence and biophysical properties (such as structural, functional, and spatial information, amino acid conservation, physicochemical variation, residue mobility, and thermodynamic stability) has been performed at Invitae for this missense variant, however the output from this modeling did not meet the statistical confidence thresholds required to predict the impact of this variant on RAD50 protein function. In summary, the available evidence is currently insufficient to determine the role of this variant in disease. Therefore, it has been classified as a Variant of Uncertain Significance.

Ambry Genetics
Classification: Uncertain significance for Hereditary cancer-predisposing syndrome. Last evaluated: 2022-11-06. Review status: criteria provided, single submitter. Criteria: Ambry Variant Classification Scheme 2023. Collection method: clinical testing. Allele origin: germline.
Comment: The p.S1255I variant (also known as c.3764G>T), located in coding exon 25 of the RAD50 gene, results from a G to T substitution at nucleotide position 3764. The serine at codon 1255 is replaced by isoleucine, an amino acid with dissimilar properties. This amino acid position is conserved. In addition, this alteration is predicted to be deleterious by in silico analysis. Since supporting evidence is limited at this time, the clinical significance of this alteration remains unclear.